The following is an entry in ClinVar:

ClinVar aggregate classification (germline): Likely benign. Review status: criteria provided, multiple submitters, no conflicts (2 of 4 stars). 2 submissions from 2 submitters: Likely benign (2). Last evaluated 2025-12-19.

Conditions:
Ehlers-Danlos syndrome, dermatosparaxis type. Also called: Dermatosparaxis; EDS VIIC; Ehlers-Danlos syndrome, type VII, autosomal recessive. Identifiers: Orphanet 1901, MedGen C2700425, MONDO:0009161, OMIM 225410.

Allele frequency attached by ClinVar (database versions not stated): gnomAD exomes below 0.00001 and 0.00001; TOPMed below 0.00001.
gnomAD v4.1: 4 of 1,469,504 alleles (0.00027%); highest among the groups gnomAD compares: Non-Finnish European, 0.00037%; no homozygotes.

Submissions (2):

Labcorp Genetics (formerly Invitae), Labcorp
Classification: Likely benign for Ehlers-Danlos syndrome, dermatosparaxis type. Last evaluated: 2025-12-19. Review status: criteria provided, single submitter. Criteria: Invitae Variant Classification Sherloc (09022015). Collection method: clinical testing. Allele origin: germline.

GeneDx
Classification: Likely benign. Last evaluated: 2018-02-27. Review status: criteria provided, single submitter. Criteria: GeneDx Variant Classification (06012015). Collection method: clinical testing. Allele origin: germline. Affected: yes.
Comment: This variant is considered likely benign or benign based on one or more of the following criteria: it is a conservative change, it occurs at a poorly conserved position in the protein, it is predicted to be benign by multiple in silico algorithms, and/or has population frequency not consistent with disease.

NM_014244.5(ADAMTS2):c.867G>A (p.Lys289=)

Gene: ADAMTS2 (ADAM metallopeptidase with thrombospondin type 1 motif 2; minus strand). Cytogenetic location: 5q35.3.
Variant type: single nucleotide variant.
Coding change: c.867G>A on transcript NM_014244.5 (MANE Select); coding-DNA position 867, G replaced by A.
Protein change: p.Lys289=; no amino-acid change (lysine 289 retained).
Molecular consequence: synonymous variant.
Genome position (GRCh38, 1-based): chr5:179,207,537, C>T on the plus strand (G>A on the coding strand, the complement: ADAMTS2 is on the minus strand). VCF-style: chr5-179207537-C-T. GRCh37 (hg19) VCF-style: chr5-178634538-C-T.
Other names: c.867G>A, p.Lys289= (NM_021599.4).
Identifiers: ClinVar variation 515821 (VCV000515821.10), dbSNP rs1191391499, ClinGen allele CA448034883.